The following is an entry in ClinVar:

ClinVar aggregate classification (germline): Uncertain significance (1 of 4 stars; one submission).

Submission:

GeneDx
Classification: Uncertain significance. Last evaluated: 2025-07-11. Review status: criteria provided, single submitter. Criteria: GeneDx Variant Classification Process June 2021. Collection method: clinical testing. Allele origin: germline. Affected: yes.
Comment: Not observed at significant frequency in large population cohorts (gnomAD); In silico analysis supports that this missense variant has a deleterious effect on protein structure/function; Has not been previously published as pathogenic or benign to our knowledge; This variant is associated with the following publications: (PMID: 25817015)

NM_001605.3(AARS1):c.499C>G (p.Leu167Val)

Gene: AARS1 (alanyl-tRNA synthetase 1; minus strand). Cytogenetic location: 16q22.1.
Variant type: single nucleotide variant.
Coding change: c.499C>G on transcript NM_001605.3 (MANE Select); coding-DNA position 499, C replaced by G.
Protein change: p.Leu167Val; replaces leucine 167 with valine.
Molecular consequence: missense variant.
Genome position (GRCh38, 1-based): chr16:70,271,953, G>C on the plus strand (C>G on the coding strand, the complement: AARS1 is on the minus strand). VCF-style: chr16-70271953-G-C. GRCh37 (hg19) VCF-style: chr16-70305856-G-C.
Other names: short protein forms L167V.
Identifiers: ClinVar variation 4685383 (VCV004685383.1).